The following is an entry in ClinVar:

ClinVar aggregate classification (germline): Conflicting classifications of pathogenicity. Review status: criteria provided, conflicting classifications (1 of 4 stars). 3 submissions from 3 submitters: Uncertain significance (1); Likely benign (2). Last evaluated 2025-03-31.

Conditions:
PRPF3-related disorder. Also called: PRPF3-related condition.

Allele frequency attached by ClinVar (database versions not stated): ExAC 0.00001; gnomAD exomes 0.00001; ESP Exome Variant Server 0.00008.
gnomAD v4.1: 29 of 1,613,968 alleles (0.0018%); highest among the groups gnomAD compares: Non-Finnish European, 0.0024%; no homozygotes.

Submissions (3):

PreventionGenetics, part of Exact Sciences
Classification: Likely benign for PRPF3-related condition. Last evaluated: 2025-03-31. Review status: criteria provided, single submitter. Criteria: ACMG Guidelines, 2015. Collection method: clinical testing. Allele origin: germline.
Comment: This variant is classified as likely benign based on ACMG/AMP sequence variant interpretation guidelines (Richards et al. 2015 PMID: 25741868, with internal and published modifications).

Labcorp Genetics (formerly Invitae), Labcorp
Classification: Likely benign. Last evaluated: 2024-05-16. Review status: criteria provided, single submitter. Criteria: Invitae Variant Classification Sherloc (09022015). Collection method: clinical testing. Allele origin: germline.

Blueprint Genetics
Classification: Uncertain significance. Last evaluated: 2022-04-21. Review status: criteria provided, single submitter. Criteria: ACMG Guidelines, 2015. Collection method: clinical testing. Allele origin: germline.

NM_004698.4(PRPF3):c.1101G>A (p.Ser367=)

Gene: PRPF3 (pre-mRNA processing factor 3; plus strand). Cytogenetic location: 1q21.2.
Variant type: single nucleotide variant.
Coding change: c.1101G>A on transcript NM_004698.4 (MANE Select); coding-DNA position 1101, G replaced by A.
Protein change: p.Ser367=; no amino-acid change (serine 367 retained).
Molecular consequence: synonymous variant. On other transcripts: non-coding transcript variant (4).
Genome position (GRCh38, 1-based): chr1:150,338,225, G>A. VCF-style: chr1-150338225-G-A. GRCh37 (hg19) VCF-style: chr1-150310701-G-A.
Other names: c.696G>A, p.Ser232= (NM_001350529.1); c.1101G>A (NM_004698.2).
Identifiers: ClinVar variation 1564966 (VCV001564966.10), dbSNP rs143858139, ClinGen allele CA1075536.